The following is an entry in ClinVar:

NM_025114.4(CEP290):c.3749A>G (p.Tyr1250Cys)

Gene: CEP290 (centrosomal protein 290; minus strand). Cytogenetic location: 12q21.32.
Variant type: single nucleotide variant.
Coding change: c.3749A>G on transcript NM_025114.4 (MANE Select); coding-DNA position 3749, A replaced by G.
Protein change: p.Tyr1250Cys; replaces tyrosine 1250 with cysteine.
Molecular consequence: missense variant.
Genome position (GRCh38, 1-based): chr12:88,089,312, T>C on the plus strand (A>G on the coding strand, the complement: CEP290 is on the minus strand). VCF-style: chr12-88089312-T-C. GRCh37 (hg19) VCF-style: chr12-88483089-T-C.
Other names: short protein forms Y1250C.
Identifiers: ClinVar variation 4782580 (VCV004782580.1).
Genomic context (GRCh38, chr12:88,089,312, plus strand): 5'-AGAGACTGAATTGTTTGGCGCAGATGTTTTGCTCTGTTTCTTCCCTCCAAACGAGCATAA[T>C]AGAGAGCCTGTTCTTTTTCATCAAGTTTCTGCTCTAAGCGCAAGTTGTAGGCCTCCATCT-3'
Protein context (NP_079390.3, residues 1240-1260): QKLDEKEQAL[Tyr1250Cys]YARLEGRNRA

ClinVar aggregate classification (germline): Uncertain significance (1 of 4 stars; one submission).

Conditions:
Meckel-Gruber syndrome. Also called: GRUBER SYNDROME; DYSENCEPHALIA SPLANCHNOCYSTICA; Dysencephalia splachnocystica. Identifiers: Orphanet 564, MedGen C0265215, MONDO:0018921.
Joubert syndrome. Also called: Familial aplasia of the vermis; JOUBERT-BOLTSHAUSER SYNDROME; CEREBELLOPARENCHYMAL DISORDER IV. Identifiers: Orphanet 475, MedGen C5979921, MONDO:0018772.
Nephronophthisis. Also called: Juvenile Nephronophthisis. Identifiers: Orphanet 655, MedGen C0687120, MONDO:0019005, HP:0000090.

gnomAD v4.1: 7 of 1,613,862 alleles (0.00043%); highest among the groups gnomAD compares: African/African-American, 0.0013%; no homozygotes.

Submission:

Labcorp Genetics (formerly Invitae), Labcorp
Classification: Uncertain significance for Joubert syndrome; Meckel-Gruber syndrome; Nephronophthisis. Last evaluated: 2025-02-22. Review status: criteria provided, single submitter. Criteria: Invitae Variant Classification Sherloc (09022015). Collection method: clinical testing. Allele origin: germline.
Comment: This sequence change replaces tyrosine, which is neutral and polar, with cysteine, which is neutral and slightly polar, at codon 1250 of the CEP290 protein (p.Tyr1250Cys). This variant is present in population databases (rs756885819, gnomAD 0.008%). This variant has not been reported in the literature in individuals affected with CEP290-related conditions. Invitae Evidence Modeling of protein sequence and biophysical properties (such as structural, functional, and spatial information, amino acid conservation, physicochemical variation, residue mobility, and thermodynamic stability) indicates that this missense variant is expected to disrupt CEP290 protein function with a positive predictive value of 80%. In summary, the available evidence is currently insufficient to determine the role of this variant in disease. Therefore, it has been classified as a Variant of Uncertain Significance.